The following is an entry in ClinVar:

NM_004655.4(AXIN2):c.1178A>G (p.Glu393Gly)

Gene: AXIN2 (axin 2; minus strand). Cytogenetic location: 17q24.1.
Variant type: single nucleotide variant.
Coding change: c.1178A>G on transcript NM_004655.4 (MANE Select); coding-DNA position 1178, A replaced by G.
Protein change: p.Glu393Gly; replaces glutamic acid 393 with glycine.
Molecular consequence: missense variant.
Genome position (GRCh38, 1-based): chr17:65,538,225, T>C on the plus strand (A>G on the coding strand, the complement: AXIN2 is on the minus strand). VCF-style: chr17-65538225-T-C. GRCh37 (hg19) VCF-style: chr17-63534343-T-C.
Other names: c.1178A>G, p.Glu393Gly (NM_001363813.1); short protein forms E393G.
Identifiers: ClinVar variation 1741201 (VCV001741201.2), dbSNP rs2144476108, ClinGen allele CA400678193.

ClinVar aggregate classification (germline): Uncertain significance (1 of 4 stars; one submission).

Conditions:
Hereditary cancer-predisposing syndrome. Also called: Hereditary Cancer Syndrome; Hereditary neoplastic syndrome; Neoplastic Syndromes, Hereditary; Tumor predisposition. Identifiers: Orphanet 140162, MedGen C0027672, MeSH D009386, MONDO:0015356.

Allele frequency attached by ClinVar (database versions not stated): gnomAD exomes below 0.00001.

Submission:

Ambry Genetics
Classification: Uncertain significance for Hereditary cancer-predisposing syndrome. Last evaluated: 2022-05-12. Review status: criteria provided, single submitter. Criteria: Ambry Variant Classification Scheme 2023. Collection method: clinical testing. Allele origin: germline.
Comment: The p.E393G variant (also known as c.1178A>G), located in coding exon 4 of the AXIN2 gene, results from an A to G substitution at nucleotide position 1178. The glutamic acid at codon 393 is replaced by glycine, an amino acid with similar properties. This amino acid position is conserved. In addition, the in silico prediction for this alteration is inconclusive. Since supporting evidence is limited at this time, the clinical significance of this alteration remains unclear.